The following is an entry in ClinVar:

ClinVar aggregate classification (germline): Benign. Review status: criteria provided, multiple submitters, no conflicts (2 of 4 stars). 2 submissions from 2 submitters: Benign (2). Last evaluated 2018-01-13.

Conditions:
Retinitis pigmentosa (RP). Identifiers: Orphanet 791, MedGen C0035334, MeSH D012174, MONDO:0019200, OMIM 268000. Inheritance: Autosomal dominant, autosomal recessive and X linked inheritance.

Allele frequency attached by ClinVar (database versions not stated): TOPMed 0.79891; gnomAD 0.80231 and 0.80464; 1000 Genomes Project 30x 0.81137; 1000 Genomes Project 0.81290; gnomAD exomes 0.85648.
gnomAD v4.1: 120,973 of 150,712 alleles (80%); highest among the groups gnomAD compares: Admixed American, 83%; 48,546 homozygotes.

Submissions (2):

Illumina Laboratory Services, Illumina
Classification: Benign for Retinitis pigmentosa. Last evaluated: 2018-01-13. Review status: criteria provided, single submitter. Criteria: ICSL Variant Classification Criteria 13 December 2019. Collection method: clinical testing. Allele origin: germline.
Comment: This variant was observed in the ICSL laboratory as part of a predisposition screen in an ostensibly healthy population. It had not been previously curated by ICSL or reported in the Human Gene Mutation Database (HGMD: prior to June 1st, 2018), and was therefore a candidate for classification through an automated scoring system. Utilizing variant allele frequency, disease prevalence and penetrance estimates, and inheritance mode, an automated score was calculated to assess if this variant is too frequent to cause the disease. Based on the score and internal cut-off values, a variant classified as benign is not then subjected to further curation. The score for this variant resulted in a classification of benign for this disease.

Breakthrough Genomics
Classification: Benign. Review status: criteria provided, single submitter. Criteria: ACMG Guidelines, 2015. Collection method: not provided. Allele origin: germline. Inheritance: Autosomal recessive inheritance. Affected: yes.

NM_016247.4(IMPG2):c.*568C>A

Gene: IMPG2 (interphotoreceptor matrix proteoglycan 2; minus strand). Cytogenetic location: 3q12.3.
Variant type: single nucleotide variant.
Coding change: c.*568C>A on transcript NM_016247.4 (MANE Select); 568 bases downstream of the stop codon, C replaced by A.
Molecular consequence: 3 prime UTR variant.
Genome position (GRCh38, 1-based): chr3:101,226,401, G>T on the plus strand (C>A on the coding strand, the complement: IMPG2 is on the minus strand). VCF-style: chr3-101226401-G-T. GRCh37 (hg19) VCF-style: chr3-100945245-G-T.
Identifiers: ClinVar variation 342316 (VCV000342316.6), dbSNP rs486814, ClinGen allele CA10616726.